The following is an entry in ClinVar:

ClinVar aggregate classification (germline): Uncertain significance (1 of 4 stars; one submission).

Conditions:
Periodic fever-infantile enterocolitis-autoinflammatory syndrome. Also called: Autoinflammation with infantile enterocolitis. Identifiers: Orphanet 436166, MedGen C4015067, MONDO:0014472, OMIM 616050.
Familial cold autoinflammatory syndrome 4 (FCAS4). Identifiers: Orphanet 47045, Orphanet 576349, MedGen C4015276, MONDO:0014498, OMIM 616115.

gnomAD v4.1: 8 of 1,614,248 alleles (0.0005%); highest among the groups gnomAD compares: Non-Finnish European, 0.00059%; no homozygotes.

Submission:

Labcorp Genetics (formerly Invitae), Labcorp
Classification: Uncertain significance for Periodic fever-infantile enterocolitis-autoinflammatory syndrome; Familial cold autoinflammatory syndrome 4. Last evaluated: 2025-05-22. Review status: criteria provided, single submitter. Criteria: Invitae Variant Classification Sherloc (09022015). Collection method: clinical testing. Allele origin: germline.
Comment: This sequence change replaces histidine, which is basic and polar, with glutamine, which is neutral and polar, at codon 560 of the NLRC4 protein (p.His560Gln). This variant is not present in population databases (gnomAD no frequency). This variant has not been reported in the literature in individuals affected with NLRC4-related conditions. ClinVar contains an entry for this variant (Variation ID: 2931880). Invitae Evidence Modeling of protein sequence and biophysical properties (such as structural, functional, and spatial information, amino acid conservation, physicochemical variation, residue mobility, and thermodynamic stability) indicates that this missense variant is not expected to disrupt NLRC4 protein function with a negative predictive value of 80%. In summary, the available evidence is currently insufficient to determine the role of this variant in disease. Therefore, it has been classified as a Variant of Uncertain Significance.

NM_001199138.2(NLRC4):c.1680T>G (p.His560Gln)

Gene: NLRC4 (NLR family CARD domain containing 4; minus strand). Cytogenetic location: 2p22.3.
Variant type: single nucleotide variant.
Coding change: c.1680T>G on transcript NM_001199138.2 (MANE Select); coding-DNA position 1680, T replaced by G.
Protein change: p.His560Gln; replaces histidine 560 with glutamine.
Molecular consequence: missense variant. On other transcripts: intron variant (1).
Genome position (GRCh38, 1-based): chr2:32,250,184, A>C on the plus strand (T>G on the coding strand, the complement: NLRC4 is on the minus strand). VCF-style: chr2-32250184-A-C. GRCh37 (hg19) VCF-style: chr2-32475253-A-C.
Other names: c.1680T>G, p.His560Gln (NM_001199139.2, NM_021209.5); c.262+2235T>G (NM_001302504.1); short protein forms H560Q.
Identifiers: ClinVar variation 2931880 (VCV002931880.3), dbSNP rs940051181, ClinGen allele CA44752010.